The following is an entry in ClinVar:

ClinVar aggregate classification (germline): Likely pathogenic (1 of 4 stars; one submission).

Submission:

CeGaT Center for Human Genetics Tuebingen
Classification: Likely pathogenic. Last evaluated: 2025-05-01. Review status: criteria provided, single submitter. Criteria: CeGaT Center For Human Genetics Tuebingen Variant Classification Criteria Version 2. Collection method: clinical testing. Allele origin: germline. Affected: yes. Observed: 1 variant allele.
Comment: NSD1: PVS1:Strong, PM2

NM_022455.5(NSD1):c.6778C>T (p.Gln2260Ter)

Gene: NSD1 (nuclear receptor binding SET domain protein 1; plus strand). Cytogenetic location: 5q35.3.
Variant type: single nucleotide variant.
Coding change: c.6778C>T on transcript NM_022455.5 (MANE Select); coding-DNA position 6778, C replaced by T.
Protein change: p.Gln2260Ter; replaces glutamine 2260 with a stop codon.
Molecular consequence: nonsense.
Genome position (GRCh38, 1-based): chr5:177,294,146, C>T. VCF-style: chr5-177294146-C-T. GRCh37 (hg19) VCF-style: chr5-176721147-C-T.
Other names: c.5905C>T, p.Gln1969Ter (NM_001365684.2, NM_001409308.1, NM_172349.5); c.6778C>T, p.Gln2260Ter (NM_001409301.1, NM_001409302.1, NM_001409303.1); c.6358C>T, p.Gln2120Ter (NM_001409304.1); c.6025C>T, p.Gln2009Ter (NM_001409305.1); c.6016C>T, p.Gln2006Ter (NM_001409306.1, NM_001409307.1); c.5656C>T, p.Gln1886Ter (NM_001409309.1); short protein forms Q1886*, Q1969*, Q2006*, Q2009*, Q2120*, Q2260*.
Identifiers: ClinVar variation 3906027 (VCV003906027.10).